The following is an entry in ClinVar:

ClinVar aggregate classification (germline): Uncertain significance. Review status: criteria provided, multiple submitters, no conflicts (2 of 4 stars). 2 submissions from 2 submitters: Uncertain significance (2). Last evaluated 2022-10-15.

Conditions:
Early-infantile DEE. Also called: Early infantile epileptic encephalopathy; Early infantile epileptic encephalopathy with suppression bursts; Ohtahara syndrome. Identifiers: Orphanet 1934, MedGen C0393706, MONDO:0800491.

Allele frequency attached by ClinVar (database versions not stated): TOPMed below 0.00001.

Submissions (2):

Labcorp Genetics (formerly Invitae), Labcorp
Classification: Uncertain significance for Early-infantile DEE. Last evaluated: 2022-10-15. Review status: criteria provided, single submitter. Criteria: Invitae Variant Classification Sherloc (09022015). Collection method: clinical testing. Allele origin: germline.
Comment: In summary, the available evidence is currently insufficient to determine the role of this variant in disease. Therefore, it has been classified as a Variant of Uncertain Significance. Experimental studies and prediction algorithms are not available or were not evaluated, and the functional significance of this variant is currently unknown. ClinVar contains an entry for this variant (Variation ID: 451274). This variant has not been reported in the literature in individuals affected with SCN1A-related conditions. This variant is not present in population databases (gnomAD no frequency). This variant, c.5855_5857del, is a complex sequence change that results in the deletion of 2 and insertion of 1 amino acid(s) in the SCN1A protein (p.Asn1952_Leu1953delinsIle).

GeneDx
Classification: Uncertain significance. Last evaluated: 2019-07-23. Review status: criteria provided, single submitter. Criteria: GeneDx Variant Classification Process June 2021. Collection method: clinical testing. Allele origin: germline. Affected: yes.
Comment: Not observed in large population cohorts (Lek et al., 2016); In-frame deletion of 2 amino acids and insertion of 1 amino acids in a non-repeat region; Has not been previously published as pathogenic or benign to our knowledge

NM_001165963.4(SCN1A):c.5855_5857del (p.Asn1952_Leu1953delinsIle)

Genes: SCN1A (sodium voltage-gated channel alpha subunit 1; minus strand), LOC102724058 (uncharacterized LOC102724058; plus strand). Cytogenetic location: 2q24.3.
Variant type: Deletion.
Coding change: c.5855_5857del on transcript NM_001165963.4 (MANE Select); coding-DNA positions 5855 to 5857, 3 bases deleted (ATC; older notation c.5855_5857delATC).
Protein change: p.Asn1952_Leu1953delinsIle.
Molecular consequence: inframe indel. On other transcripts: non-coding transcript variant (1).
Genome position (GRCh38, 1-based): chr2:165,991,418-165,991,420, GAT deleted on the plus strand (ATC on the coding strand, the reverse complement: SCN1A is on the minus strand). VCF-style (leftmost placement, unchanged base first): chr2-165991417-AGAT-A. GRCh37 (hg19) VCF-style: chr2-166847927-AGAT-A.
Other names: c.5855_5857delATC (NM_001165963.1); c.5855_5857del, p.Asn1952_Leu1953delinsIle (NM_001202435.3, NM_001353948.2); c.5822_5824del, p.Asn1941_Leu1942delinsIle (NM_001353949.2, NM_001353950.2, NM_001353951.2 and 2 more transcripts); c.5819_5821del, p.Asn1940_Leu1941delinsIle (NM_001353954.2, NM_001353955.2); c.5771_5773del, p.Asn1924_Leu1925delinsIle (NM_001353957.2, NM_001353958.2, NM_001165964.3); c.5768_5770del, p.Asn1923_Leu1924delinsIle (NM_001353960.2); c.3413_3415del, p.Asn1138_Leu1139delinsIle (NM_001353961.2).
Identifiers: ClinVar variation 451274 (VCV000451274.8), dbSNP rs1553519782, ClinGen allele CA658657091.